The following is an entry in ClinVar:

NM_031844.3(HNRNPU):c.817C>G (p.Gln273Glu)

Gene: HNRNPU (heterogeneous nuclear ribonucleoprotein U; minus strand). Cytogenetic location: 1q44.
Variant type: single nucleotide variant.
Coding change: c.817C>G on transcript NM_031844.3 (MANE Select); coding-DNA position 817, C replaced by G.
Protein change: p.Gln273Glu; replaces glutamine 273 with glutamic acid.
Molecular consequence: missense variant.
Genome position (GRCh38, 1-based): chr1:244,862,521, G>C on the plus strand (C>G on the coding strand, the complement: HNRNPU is on the minus strand). VCF-style: chr1-244862521-G-C. GRCh37 (hg19) VCF-style: chr1-245025823-G-C.
Other names: c.760C>G, p.Gln254Glu (NM_004501.3); short protein forms Q254E, Q273E.
Identifiers: ClinVar variation 4881681 (VCV004881681.2).

ClinVar aggregate classification (germline): Uncertain significance (1 of 4 stars; one submission).

Conditions:
Developmental and epileptic encephalopathy, 54. Also called: Epileptic encephalopathy, early infantile, 54; HNRNPU-Related Neurodevelopmental Disorder. Identifiers: MedGen C4479319, MONDO:0033363, OMIM 617391.

Submission:

Dasa
Classification: Uncertain significance for Developmental and epileptic encephalopathy, 54. Last evaluated: 2025-07-29. Review status: criteria provided, single submitter. Criteria: DASA Assertion Criteria. Collection method: clinical testing. Allele origin: germline.
Comment: NM_031844.3(HNRNPU):c.817C>G (p.Gln273Glu) is a missense variant that results in the substitution of glutamine with glutamic acid. This variant is absent from population databases. Computational prediction algorithms are consistent with a benign effect. The currently available literature and clinical evidence are not sufficient to establish a definitive association between this variant and the reported condition. Therefore, this variant is classified as a variant of uncertain significance.